The following is an entry in ClinVar:

NM_004092.4(ECHS1):c.589C>T (p.Arg197Trp)

Gene: ECHS1 (enoyl-CoA hydratase, short chain 1; minus strand). Cytogenetic location: 10q26.3.
Variant type: single nucleotide variant.
Coding change: c.589C>T on transcript NM_004092.4 (MANE Select); coding-DNA position 589, C replaced by T.
Protein change: p.Arg197Trp; replaces arginine 197 with tryptophan.
Molecular consequence: missense variant.
Genome position (GRCh38, 1-based): chr10:133,366,919, G>A on the plus strand (C>T on the coding strand, the complement: ECHS1 is on the minus strand). VCF-style: chr10-133366919-G-A. GRCh37 (hg19) VCF-style: chr10-135180423-G-A.
Other names: short protein forms R197W.
Identifiers: ClinVar variation 1357878 (VCV001357878.3), dbSNP rs751581356, ClinGen allele CA5765721.
Genomic context (GRCh38, chr10:133,366,919, plus strand): 5'-GTGGCTCTTGCGGGCAGCCCCAACCCATACCTGCTTGCTTGGCGTCCTGGGCTGAGATCC[G>A]GTCACCAGTGAGGACCATCTCCATCGCCAGCGACTTCCCAACAGCACGGGTGAGTCTCTG-3'
Protein context (NP_004083.3, residues 187-207): LAMEMVLTGD[Arg197Trp]ISAQDAKQAG

ClinVar aggregate classification (germline): Uncertain significance (1 of 4 stars; one submission).

Allele frequency attached by ClinVar (database versions not stated): ExAC 0.00002; gnomAD exomes 0.00002; gnomAD 0.00003; TOPMed 0.00003.
gnomAD v4.1: 43 of 1,612,306 alleles (0.0027%); highest among the groups gnomAD compares: Middle Eastern, 0.017%; no homozygotes.

Submission:

Labcorp Genetics (formerly Invitae), Labcorp
Classification: Uncertain significance. Last evaluated: 2022-09-27. Review status: criteria provided, single submitter. Criteria: Invitae Variant Classification Sherloc (09022015). Collection method: clinical testing. Allele origin: germline.
Comment: This sequence change replaces arginine, which is basic and polar, with tryptophan, which is neutral and slightly polar, at codon 197 of the ECHS1 protein (p.Arg197Trp). This variant is present in population databases (rs751581356, gnomAD 0.01%). This variant has not been reported in the literature in individuals affected with ECHS1-related conditions. ClinVar contains an entry for this variant (Variation ID: 1357878). Advanced modeling of protein sequence and biophysical properties (such as structural, functional, and spatial information, amino acid conservation, physicochemical variation, residue mobility, and thermodynamic stability) performed at Invitae indicates that this missense variant is not expected to disrupt ECHS1 protein function. In summary, the available evidence is currently insufficient to determine the role of this variant in disease. Therefore, it has been classified as a Variant of Uncertain Significance.